The following is an entry in ClinVar:

ClinVar aggregate classification (germline): Uncertain significance (1 of 4 stars; one submission).

Submission:

Labcorp Genetics (formerly Invitae), Labcorp
Classification: Uncertain significance. Last evaluated: 2024-05-15. Review status: criteria provided, single submitter. Criteria: Invitae Variant Classification Sherloc (09022015). Collection method: clinical testing. Allele origin: germline.
Comment: This sequence change replaces isoleucine, which is neutral and non-polar, with threonine, which is neutral and polar, at codon 312 of the POLE protein (p.Ile312Thr). This variant is not present in population databases (gnomAD no frequency). This variant has not been reported in the literature in individuals affected with POLE-related conditions. ClinVar contains an entry for this variant (Variation ID: 2043721). Advanced modeling of protein sequence and biophysical properties (such as structural, functional, and spatial information, amino acid conservation, physicochemical variation, residue mobility, and thermodynamic stability) performed at Invitae indicates that this missense variant is expected to disrupt POLE protein function with a positive predictive value of 80%. In summary, the available evidence is currently insufficient to determine the role of this variant in disease. Therefore, it has been classified as a Variant of Uncertain Significance.

NM_006231.4(POLE):c.935T>C (p.Ile312Thr)

Gene: POLE (DNA polymerase epsilon, catalytic subunit; minus strand). Cytogenetic location: 12q24.33.
Variant type: single nucleotide variant.
Coding change: c.935T>C on transcript NM_006231.4 (MANE Select); coding-DNA position 935, T replaced by C.
Protein change: p.Ile312Thr; replaces isoleucine 312 with threonine.
Molecular consequence: missense variant.
Genome position (GRCh38, 1-based): chr12:132,676,179, A>G on the plus strand (T>C on the coding strand, the complement: POLE is on the minus strand). VCF-style: chr12-132676179-A-G. GRCh37 (hg19) VCF-style: chr12-133252765-A-G.
Other names: short protein forms I312T.
Identifiers: ClinVar variation 2043721 (VCV002043721.4), dbSNP rs2043047268, ClinGen allele CA387363881.